The following is an entry in ClinVar:

ClinVar aggregate classification (germline): Benign/Likely benign. Review status: criteria provided, multiple submitters, no conflicts (2 of 4 stars). 7 submissions from 7 submitters: Benign (3); Likely benign (4). Last evaluated 2025-12-26.

Conditions:
Hereditary spastic paraplegia. Also called: Familial spastic paraparesis. Identifiers: Orphanet 685, MedGen C0037773, MONDO:0019064. Disease mechanism: loss of function.
Hereditary spastic paraplegia 48. Also called: Spastic paraplegia 48; SPASTIC PARAPLEGIA 48, AUTOSOMAL RECESSIVE. Identifiers: Orphanet 306511, MedGen C3150901, MONDO:0013342, OMIM 613647.

Allele frequency attached by ClinVar (database versions not stated): gnomAD exomes 0.00112 and 0.00251; ExAC 0.00317; ESP Exome Variant Server 0.00517; gnomAD 0.00581 and 0.00602; TOPMed 0.00668; 1000 Genomes Project 0.00859; 1000 Genomes Project 30x 0.00859.
gnomAD v4.1: 2,606 of 1,612,568 alleles (0.16%); highest among the groups gnomAD compares: African/African-American, 1.9%; 35 homozygotes.

Submissions (7):

Labcorp Genetics (formerly Invitae), Labcorp
Classification: Benign for Hereditary spastic paraplegia 48. Last evaluated: 2025-12-26. Review status: criteria provided, single submitter. Criteria: Invitae Variant Classification Sherloc (09022015). Collection method: clinical testing. Allele origin: germline.

GeneDx
Classification: Likely benign. Last evaluated: 2023-10-10. Review status: criteria provided, single submitter. Criteria: GeneDx Variant Classification Process June 2021. Collection method: clinical testing. Allele origin: germline. Affected: yes.
Comment: See Variant Classification Assertion Criteria.

Mayo Clinic Laboratories, Mayo Clinic
Classification: Benign. Last evaluated: 2022-04-19. Review status: criteria provided, single submitter. Criteria: ACMG Guidelines, 2015. Collection method: clinical testing. Allele origin: germline. Observed: 6 variant alleles.
Comment: BS1, BS2, BP4

Genome Diagnostics Laboratory, The Hospital for Sick Children
Classification: Likely benign for Hereditary spastic paraplegia. Last evaluated: 2020-07-14. Review status: criteria provided, single submitter. Criteria: ACMG Guidelines, 2015. Collection method: clinical testing. Allele origin: germline. Affected: yes.

Athena Diagnostics
Classification: Benign. Last evaluated: 2018-02-16. Review status: criteria provided, single submitter. Criteria: Athena Diagnostics Criteria. Collection method: clinical testing. Allele origin: germline.

Illumina Laboratory Services, Illumina
Classification: Likely benign for Hereditary spastic paraplegia 48. Last evaluated: 2018-01-13. Review status: criteria provided, single submitter. Criteria: ICSL Variant Classification Criteria 13 December 2019. Collection method: clinical testing. Allele origin: germline.
Comment: This variant was observed in the ICSL laboratory as part of a predisposition screen in an ostensibly healthy population. It had not been previously curated by ICSL or reported in the Human Gene Mutation Database (HGMD: prior to June 1st, 2018), and was therefore a candidate for classification through an automated scoring system. Utilizing variant allele frequency, disease prevalence and penetrance estimates, and inheritance mode, an automated score was calculated to assess if this variant is too frequent to cause the disease. Based on the score and internal cut-off values, a variant classified as likely benign is not then subjected to further curation. The score for this variant resulted in a classification of likely benign for this disease.

Breakthrough Genomics
Classification: Likely benign. Review status: criteria provided, single submitter. Criteria: ACMG Guidelines, 2015. Collection method: not provided. Allele origin: germline. Inheritance: Autosomal recessive inheritance. Affected: yes.

NM_014855.3(AP5Z1):c.2230G>A (p.Ala744Thr)

Gene: AP5Z1 (adaptor related protein complex 5 subunit zeta 1; plus strand). Cytogenetic location: 7p22.1.
Variant type: single nucleotide variant.
Coding change: c.2230G>A on transcript NM_014855.3 (MANE Select); coding-DNA position 2230, G replaced by A.
Protein change: p.Ala744Thr; replaces alanine 744 with threonine.
Molecular consequence: missense variant. On other transcripts: non-coding transcript variant (1).
Genome position (GRCh38, 1-based): chr7:4,791,191, G>A. VCF-style: chr7-4791191-G-A. GRCh37 (hg19) VCF-style: chr7-4830822-G-A.
Other names: p.Ala744Thr; c.1762G>A, p.Ala588Thr (NM_001364858.1); c.2230G>A, p.Ala744Thr (LRG_1247t1); short protein forms A744T, A588T.
Identifiers: ClinVar variation 417166 (VCV000417166.24), dbSNP rs183580097, ClinGen allele CA4138388.